The following is an entry in ClinVar:

NM_004588.5(SCN2B):c.303C>G (p.Phe101Leu)

Gene: SCN2B (sodium voltage-gated channel beta subunit 2; minus strand). Cytogenetic location: 11q23.3.
Variant type: single nucleotide variant.
Coding change: c.303C>G on transcript NM_004588.5 (MANE Select); coding-DNA position 303, C replaced by G.
Protein change: p.Phe101Leu; replaces phenylalanine 101 with leucine.
Molecular consequence: missense variant.
Genome position (GRCh38, 1-based): chr11:118,168,230, G>C on the plus strand (C>G on the coding strand, the complement: SCN2B is on the minus strand). VCF-style: chr11-118168230-G-C. GRCh37 (hg19) VCF-style: chr11-118038945-G-C.
Other names: short protein forms F101L.
Identifiers: ClinVar variation 2625022 (VCV002625022.2), dbSNP rs2497600863, ClinGen allele CA382785180.

ClinVar aggregate classification (germline): Uncertain significance (1 of 4 stars; one submission).

Conditions:
Cardiovascular phenotype. Identifiers: MedGen CN230736.

Allele frequency attached by ClinVar (database versions not stated): gnomAD exomes below 0.00001.
gnomAD v4.1: 1 of 1,614,184 alleles (0.000062%); highest among the groups gnomAD compares: Non-Finnish European, 0.000085%; no homozygotes.

Submission:

Ambry Genetics
Classification: Uncertain significance for Cardiovascular phenotype. Last evaluated: 2023-07-03. Review status: criteria provided, single submitter. Criteria: Ambry Variant Classification Scheme 2023. Collection method: clinical testing. Allele origin: germline.
Comment: The p.F101L variant (also known as c.303C>G), located in coding exon 3 of the SCN2B gene, results from a C to G substitution at nucleotide position 303. The phenylalanine at codon 101 is replaced by leucine, an amino acid with highly similar properties. This amino acid position is conserved. In addition, the in silico prediction for this alteration is inconclusive. Since supporting evidence is limited at this time, the clinical significance of this alteration remains unclear.